The following is an entry in ClinVar:

ClinVar aggregate classification (germline): Conflicting classifications of pathogenicity. Review status: criteria provided, conflicting classifications (1 of 4 stars). 4 submissions from 4 submitters: Uncertain significance (1); Likely benign (2). 1 of the submissions does not count toward it. Last evaluated 2025-08-18.

Conditions:
Hereditary cancer-predisposing syndrome. Also called: Tumor predisposition; Neoplastic Syndromes, Hereditary; Hereditary Cancer Syndrome; Hereditary neoplastic syndrome. Identifiers: Orphanet 140162, MedGen C0027672, MeSH D009386, MONDO:0015356.
Ataxia-telangiectasia syndrome (AT). Also called: ATAXIA-TELANGIECTASIA, COMPLEMENTATION GROUP A; ATAXIA-TELANGIECTASIA, FRESNO VARIANT; Ataxia-telangiectasia; Ataxia-telangiectasia, complementation group D; AT, COMPLEMENTATION GROUP C; Ataxia-telangiectasia, complementation group E. Identifiers: Orphanet 100, MedGen C0004135, MONDO:0008840, OMIM 208900.

Allele frequency attached by ClinVar (database versions not stated): gnomAD exomes below 0.00001; TOPMed below 0.00001.
gnomAD v4.1: 1 of 1,614,152 alleles (0.000062%); highest among the groups gnomAD compares: East Asian, 0.0022%; no homozygotes.

Submissions (4):

Color Diagnostics, LLC DBA Color Health
Classification: Likely benign for Hereditary cancer-predisposing syndrome. Last evaluated: 2025-08-18. Review status: criteria provided, single submitter. Criteria: ACMG Guidelines, 2015. Collection method: clinical testing. Allele origin: germline.

Ambry Genetics
Classification: Likely benign for Hereditary cancer-predisposing syndrome. Last evaluated: 2024-08-01. Review status: criteria provided, single submitter. Criteria: Ambry Variant Classification Scheme 2023. Collection method: clinical testing. Allele origin: germline.

Labcorp Genetics (formerly Invitae), Labcorp
Classification: Uncertain significance for Ataxia-telangiectasia syndrome. Last evaluated: 2023-09-25. Review status: criteria provided, single submitter. Criteria: Invitae Variant Classification Sherloc (09022015). Collection method: clinical testing. Allele origin: germline.
Comment: In summary, the available evidence is currently insufficient to determine the role of this variant in disease. Therefore, it has been classified as a Variant of Uncertain Significance. An algorithm developed to predict the effect of missense changes on protein structure and function (PolyPhen-2) suggests that this variant is likely to be tolerated. ClinVar contains an entry for this variant (Variation ID: 854195). This variant has not been reported in the literature in individuals affected with ATM-related conditions. This sequence change replaces threonine, which is neutral and polar, with alanine, which is neutral and non-polar, at codon 2059 of the ATM protein (p.Thr2059Ala). This variant is present in population databases (no rsID available, gnomAD 0.006%).

Natera, Inc.
Classification: Uncertain significance for Ataxia-telangiectasia. Last evaluated: 2021-05-14. Review status: no assertion criteria provided. Collection method: clinical testing. Allele origin: germline. Not counted in ClinVar's aggregate classification.

Literature cited by the submitters: PubMed 28779002 (cited by Ambry Genetics).

NM_000051.4(ATM):c.6175A>G (p.Thr2059Ala)

Genes: ATM (ATM serine/threonine kinase; plus strand), C11orf65 (chromosome 11 open reading frame 65; minus strand). Cytogenetic location: 11q22.3.
Variant type: single nucleotide variant.
Coding change: c.6175A>G on transcript NM_000051.4 (MANE Select); coding-DNA position 6175, A replaced by G.
Protein change: p.Thr2059Ala; replaces threonine 2059 with alanine.
Molecular consequence: missense variant. On other transcripts: intron variant (2).
Genome position (GRCh38, 1-based): chr11:108,316,090, A>G. VCF-style: chr11-108316090-A-G. GRCh37 (hg19) VCF-style: chr11-108186817-A-G.
Other names: c.6175A>G, p.Thr2059Ala (NM_001351834.2); c.641-7019T>C (NM_001330368.2); c.*39-7019T>C (NM_001351110.2); short protein forms T2059A.
Identifiers: ClinVar variation 854195 (VCV000854195.28), dbSNP rs1329479941, ClinGen allele CA382550701.